The following is an entry in ClinVar:

NM_144599.5(NIPA1):c.160G>C (p.Val54Leu)

Genes: NIPA1 (NIPA magnesium transporter 1; plus strand), LOC130056709 (ATAC-STARR-seq lymphoblastoid silent region 6259; plus strand). Cytogenetic location: 15q11.2.
Variant type: single nucleotide variant.
Coding change: c.160G>C on transcript NM_144599.5 (MANE Select); coding-DNA position 160, G replaced by C.
Protein change: p.Val54Leu; replaces valine 54 with leucine.
Molecular consequence: missense variant. On other transcripts: intron variant (1).
Genome position (GRCh38, 1-based): chr15:22,786,816, G>C. VCF-style: chr15-22786816-G-C. GRCh37 (hg19) VCF-style: chr15-23086252-C-G.
Other names: c.-48+568G>C (NM_001142275.1); short protein forms V54L.
Identifiers: ClinVar variation 1307912 (VCV001307912.3), dbSNP rs2140841523, ClinGen allele CA391298974.

ClinVar aggregate classification (germline): Uncertain significance. Review status: criteria provided, multiple submitters, no conflicts (2 of 4 stars). 2 submissions from 2 submitters: Uncertain significance (2). Last evaluated 2025-02-24.

Conditions:
Inborn genetic diseases. Identifiers: MedGen C0950123, MeSH D030342.

gnomAD v4.1: 1 of 1,259,404 alleles (0.000079%); no homozygotes.

Submissions (2):

Ambry Genetics
Classification: Uncertain significance for Inborn genetic diseases. Last evaluated: 2025-02-24. Review status: criteria provided, single submitter. Criteria: Ambry Variant Classification Scheme 2023. Collection method: clinical testing. Allele origin: germline.

GeneDx
Classification: Uncertain significance. Last evaluated: 2019-08-14. Review status: criteria provided, single submitter. Criteria: GeneDx Variant Classification Process June 2021. Collection method: clinical testing. Allele origin: germline. Affected: yes.
Comment: Not observed in large population cohorts (Lek et al., 2016); In silico analysis, which includes protein predictors and evolutionary conservation, supports that this variant does not alter protein structure/function; Has not been previously published as pathogenic or benign to our knowledge